The following is an entry in ClinVar:

ClinVar aggregate classification (germline): Uncertain significance (1 of 4 stars; one submission).

Conditions:
Autoimmune lymphoproliferative syndrome type 2A (ALPS2A). Also called: CASP10-Related Autoimmune Lymphoproliferative Syndrome; AUTOIMMUNE LYMPHOPROLIFERATIVE SYNDROME, TYPE IIA; Autoimmune lymphoproliferative syndrome type 2. Identifiers: Orphanet 3261, MedGen C1858968, MONDO:0011383, OMIM 603909.

Allele frequency attached by ClinVar (database versions not stated): ExAC 0.00001; gnomAD 0.00001; gnomAD exomes 0.00002; TOPMed 0.00004; ESP Exome Variant Server 0.00008.
gnomAD v4.1: 57 of 1,613,908 alleles (0.0035%); highest among the groups gnomAD compares: Non-Finnish European, 0.0048%; no homozygotes.

Submission:

Labcorp Genetics (formerly Invitae), Labcorp
Classification: Uncertain significance for Autoimmune lymphoproliferative syndrome type 2A. Last evaluated: 2023-07-03. Review status: criteria provided, single submitter. Criteria: Invitae Variant Classification Sherloc (09022015). Collection method: clinical testing. Allele origin: germline.
Comment: Advanced modeling of protein sequence and biophysical properties (such as structural, functional, and spatial information, amino acid conservation, physicochemical variation, residue mobility, and thermodynamic stability) has been performed at Invitae for this missense variant, however the output from this modeling did not meet the statistical confidence thresholds required to predict the impact of this variant on CASP10 protein function. This sequence change replaces serine, which is neutral and polar, with phenylalanine, which is neutral and non-polar, at codon 296 of the CASP10 protein (p.Ser296Phe). This variant is present in population databases (rs146654699, gnomAD 0.004%). This variant has not been reported in the literature in individuals affected with CASP10-related conditions. ClinVar contains an entry for this variant (Variation ID: 942107). In summary, the available evidence is currently insufficient to determine the role of this variant in disease. Therefore, it has been classified as a Variant of Uncertain Significance.

NM_032977.4(CASP10):c.887C>T (p.Ser296Phe)

Gene: CASP10 (caspase 10; plus strand). Cytogenetic location: 2q33.1.
Variant type: single nucleotide variant.
Coding change: c.887C>T on transcript NM_032977.4 (MANE Select); coding-DNA position 887, C replaced by T.
Protein change: p.Ser296Phe; replaces serine 296 with phenylalanine.
Molecular consequence: missense variant. On other transcripts: synonymous variant (1), intron variant (1).
Genome position (GRCh38, 1-based): chr2:201,208,148, C>T. VCF-style: chr2-201208148-C-T. GRCh37 (hg19) VCF-style: chr2-202072871-C-T.
Other names: c.758C>T, p.Ser253Phe (NM_001206542.2, NM_001230.5); c.887C>T, p.Ser296Phe (NM_032974.5); c.795C>T, p.Leu265= (NM_032976.4); c.722-922C>T (NM_001206524.2); short protein forms S296F, S253F.
Identifiers: ClinVar variation 942107 (VCV000942107.12), dbSNP rs146654699, ClinGen allele CA2053090.